The following is an entry in ClinVar:

NM_000632.4(ITGAM):c.2333A>G (p.Asp778Gly)

Gene: ITGAM (integrin subunit alpha M; plus strand). Cytogenetic location: 16p11.2.
Variant type: single nucleotide variant.
Coding change: c.2333A>G on transcript NM_000632.4 (MANE Select); coding-DNA position 2333, A replaced by G.
Protein change: p.Asp778Gly; replaces aspartic acid 778 with glycine.
Molecular consequence: missense variant.
Genome position (GRCh38, 1-based): chr16:31,325,001, A>G. VCF-style: chr16-31325001-A-G. GRCh37 (hg19) VCF-style: chr16-31336322-A-G.
Other names: c.2336A>G, p.Asp779Gly (NM_001145808.2); short protein forms D779G, D778G.
Identifiers: ClinVar variation 3684304 (VCV003684304.2).

ClinVar aggregate classification (germline): Uncertain significance (1 of 4 stars; one submission).

gnomAD v4.1: 1 of 1,613,364 alleles (0.000062%); highest among the groups gnomAD compares: Non-Finnish European, 0.000085%; no homozygotes.

Submission:

Labcorp Genetics (formerly Invitae), Labcorp
Classification: Uncertain significance. Last evaluated: 2024-08-17. Review status: criteria provided, single submitter. Criteria: Invitae Variant Classification Sherloc (09022015). Collection method: clinical testing. Allele origin: germline.
Comment: This sequence change replaces aspartic acid, which is acidic and polar, with glycine, which is neutral and non-polar, at codon 778 of the ITGAM protein (p.Asp778Gly). This variant is present in population databases (rs766579525, gnomAD 0.003%). This variant has not been reported in the literature in individuals affected with ITGAM-related conditions. An algorithm developed to predict the effect of missense changes on protein structure and function (PolyPhen-2) suggests that this variant is likely to be disruptive. In summary, the available evidence is currently insufficient to determine the role of this variant in disease. Therefore, it has been classified as a Variant of Uncertain Significance.